The following is an entry in ClinVar:

NM_001358921.2(COQ2):c.889A>G (p.Ser297Gly)

Gene: COQ2 (coenzyme Q2, polyprenyltransferase; minus strand). Cytogenetic location: 4q21.23.
Variant type: single nucleotide variant.
Coding change: c.889A>G on transcript NM_001358921.2 (MANE Select); coding-DNA position 889, A replaced by G.
Protein change: p.Ser297Gly; replaces serine 297 with glycine.
Molecular consequence: missense variant.
Genome position (GRCh38, 1-based): chr4:83,267,648, T>C on the plus strand (A>G on the coding strand, the complement: COQ2 is on the minus strand). VCF-style: chr4-83267648-T-C. GRCh37 (hg19) VCF-style: chr4-84188801-T-C.
Other names: p.Ser297Gly; c.1039A>G, p.Ser347Gly (NM_015697.9); short protein forms S297G, S347G.
Identifiers: ClinVar variation 2688855 (VCV002688855.3), dbSNP rs566845170, ClinGen allele CA2988484.

ClinVar aggregate classification (germline): Uncertain significance. Review status: criteria provided, multiple submitters, no conflicts (2 of 4 stars). 2 submissions from 2 submitters: Uncertain significance (2). Last evaluated 2025-09-18.

Conditions:
Coenzyme Q10 deficiency, primary, 1. Also called: UBIQUINONE DEFICIENCY 1; COENZYME Q DEFICIENCY 1; CoQ DEFICIENCY 1. Identifiers: Orphanet 255249, MedGen C3551954, MONDO:0011829, OMIM 607426.

Allele frequency attached by ClinVar (database versions not stated): 1000 Genomes Project 30x 0.00016; 1000 Genomes Project 0.00020.
gnomAD v4.1: 11 of 1,581,006 alleles (0.0007%); highest among the groups gnomAD compares: South Asian, 0.01%; no homozygotes.

Submissions (2):

Foundation for Research in Genetics and Endocrinology, FRIGE's Institute of Human Genetics
Classification: Uncertain significance for Coenzyme Q10 deficiency, primary, 1. Last evaluated: 2025-09-18. Review status: criteria provided, single submitter. Criteria: ACMG Guidelines, 2015. Collection method: clinical testing. Allele origin: germline. Inheritance: Autosomal recessive inheritance. Affected: yes. Observed: 1 variant allele, 1 homozygote.
Comment: A homozygous missense variant in exon 6 of the COQ2 gene that results in the amino acid substitution of Glycine for Serine at codon 297 was detected. The observed variant c.889A>G has a minor allele frequency of 0.02% in the 1000 genomes and 0.0025% in the gnomAD databases. The in-silico prediction of the variant is deleterious by DANN. In summary, the variant meets our criteria to be classified as a variant of uncertain significance.

Revvity Omics, Revvity
Classification: Uncertain significance for Coenzyme Q10 deficiency, primary, 1. Last evaluated: 2023-03-16. Review status: criteria provided, single submitter. Criteria: ACMG Guidelines, 2015. Collection method: clinical testing. Allele origin: germline.